The following is an entry in ClinVar:

NM_003803.4(MYOM1):c.251G>A (p.Arg84Gln)

Gene: MYOM1 (myomesin 1; minus strand). Cytogenetic location: 18p11.31.
Variant type: single nucleotide variant.
Coding change: c.251G>A on transcript NM_003803.4 (MANE Select); coding-DNA position 251, G replaced by A.
Protein change: p.Arg84Gln; replaces arginine 84 with glutamine.
Molecular consequence: missense variant.
Genome position (GRCh38, 1-based): chr18:3,214,973, C>T on the plus strand (G>A on the coding strand, the complement: MYOM1 is on the minus strand). VCF-style: chr18-3214973-C-T. GRCh37 (hg19) VCF-style: chr18-3214971-C-T.
Other names: c.251G>A, p.Arg84Gln (NM_019856.2); short protein forms R84Q.
Identifiers: ClinVar variation 959136 (VCV000959136.11), dbSNP rs756788476, ClinGen allele CA8875315.
Genomic context (GRCh38, chr18:3,214,973, plus strand): 5'-GGAGGAGGGCGTCCGACATACCCATGGGAGGAGCCATAATCGTAGGCTGAGGCTGCCTTC[C>T]GACTGACTTCAGAGCTCAGGGCGTGCTGCGAGGCCTGCTGCTGGGAGGAGGAGGCGGACG-3'
Protein context (NP_003794.3, residues 74-94): SQHALSSEVS[Arg84Gln]KAASAYDYGS

ClinVar aggregate classification (germline): Uncertain significance. Review status: criteria provided, multiple submitters, no conflicts (2 of 4 stars). 2 submissions from 2 submitters: Uncertain significance (2). Last evaluated 2021-08-10.

Conditions:
Hypertrophic cardiomyopathy. Also called: HYPERTROPHIC MYOCARDIOPATHY. Identifiers: Orphanet 217569, MedGen C0007194, MeSH D002312, MONDO:0005045, HP:0001639.

Allele frequency attached by ClinVar (database versions not stated): gnomAD 0.00001; TOPMed 0.00003.
gnomAD v4.1: 14 of 1,608,780 alleles (0.00087%); highest among the groups gnomAD compares: African/African-American, 0.0013%; no homozygotes.

Submissions (2):

Ambry Genetics
Classification: Uncertain significance. Last evaluated: 2021-08-10. Review status: criteria provided, single submitter. Criteria: Ambry Variant Classification Scheme 2023. Collection method: clinical testing. Allele origin: germline.
Comment: The p.R84Q variant (also known as c.251G>A), located in coding exon 1 of the MYOM1 gene, results from a G to A substitution at nucleotide position 251. The arginine at codon 84 is replaced by glutamine, an amino acid with highly similar properties. This amino acid position is conserved. In addition, this alteration is predicted to be tolerated by in silico analysis. Since supporting evidence is limited at this time, the clinical significance of this alteration remains unclear.

Labcorp Genetics (formerly Invitae), Labcorp
Classification: Uncertain significance for Hypertrophic cardiomyopathy. Last evaluated: 2019-10-24. Review status: criteria provided, single submitter. Criteria: Invitae Variant Classification Sherloc (09022015). Collection method: clinical testing. Allele origin: germline.
Comment: This sequence change replaces arginine with glutamine at codon 84 of the MYOM1 protein (p.Arg84Gln). The arginine residue is moderately conserved and there is a small physicochemical difference between arginine and glutamine. In summary, the available evidence is currently insufficient to determine the role of this variant in disease. Therefore, it has been classified as a Variant of Uncertain Significance. Algorithms developed to predict the effect of missense changes on protein structure and function output the following: SIFT: "Tolerated"; PolyPhen-2: "Benign"; Align-GVGD: "Class C0". The glutamine amino acid residue is found in multiple mammalian species, suggesting that this missense change does not adversely affect protein function. These predictions have not been confirmed by published functional studies and their clinical significance is uncertain. This variant has not been reported in the literature in individuals with MYOM1-related conditions. This variant is present in population databases (rs756788476, ExAC 0.01%).